The following is an entry in ClinVar:

NM_000218.3(KCNQ1):c.1257_1260del (p.Lys421fs)

Gene: KCNQ1 (potassium voltage-gated channel subfamily Q member 1; plus strand). Cytogenetic location: 11p15.5.
Variant type: Deletion.
Coding change: c.1257_1260del on transcript NM_000218.3 (MANE Select); coding-DNA positions 1257 to 1260, 4 bases deleted (GAAA; older notation c.1257_1260delGAAA).
Protein change: p.Lys421fs; shifts the reading frame from lysine 421.
Molecular consequence: frameshift variant.
Genome position (GRCh38, 1-based): chr11:2,588,718-2,588,721, GAAA deleted; deleting any 4 consecutive bases within chr11:2,588,715-2,588,721 gives the same sequence; the c. name uses the placement nearest the transcript's 3' end. VCF-style (leftmost placement, unchanged base first): chr11-2588714-TAAAG-T. GRCh37 (hg19) VCF-style: chr11-2609944-TAAAG-T.
Other names: c.1161_1164del, p.Lys389fs (NM_001406836.1); c.987_990del, p.Lys331fs (NM_001406837.1); c.717_720del, p.Lys241fs (NM_001406838.1); c.876_879del, p.Lys294fs (NM_181798.2); short protein forms K241fs, K294fs, K331fs, K389fs, K421fs.
Identifiers: ClinVar variation 3383071 (VCV003383071.3).
Genomic context (GRCh38, chr11:2,588,714, plus strand): 5'-GCGTAGGGCCTGGCAGACGATGTCCAGGAACCGCTAATCTGTTGTCTTGTTTTTTTTAGG[TAAAG>T]AAAAAAAAGTTCAAGCTGGACAAAGACAATGGGGTGACTCCTGGAGAGAAGATGCTCACA-3'

ClinVar aggregate classification (germline): Likely pathogenic (1 of 4 stars; one submission).

Conditions:
Atrial fibrillation, familial, 3 (ATFB3). Identifiers: MedGen C1837014, MONDO:0011857, OMIM 607554.
Short QT syndrome type 2. Identifiers: Orphanet 51083, MedGen C1865019, MONDO:0012313, OMIM 609621.
Long QT syndrome 1 (LQT1). Identifiers: Orphanet 101016, Orphanet 768, MedGen C4551647, MONDO:0100316, OMIM 192500, MONDO:0008646.
Jervell and Lange-Nielsen syndrome 1 (JLNS1). Also called: CARDIOAUDITORY SYNDROME OF JERVELL AND LANGE-NIELSEN; DEAFNESS, CONGENITAL, AND FUNCTIONAL HEART DISEASE; PROLONGED QT INTERVAL IN EKG AND SUDDEN DEATH; SURDO-CARDIAC SYNDROME. Identifiers: Orphanet 768, Orphanet 90647, MedGen C4551509, MONDO:0024540, OMIM 220400.

Submission:

Juno Genomics, Hangzhou Juno Genomics, Inc
Classification: Likely pathogenic for Atrial fibrillation, familial, 3; Jervell and Lange-Nielsen syndrome 1; Long QT syndrome 1; Short QT syndrome type 2. Review status: criteria provided, single submitter. Criteria: ACMG Guidelines, 2015. Collection method: clinical testing. Allele origin: germline.
Comment: Null variant in a gene where loss of function (LOF) is a known mechanism of disease.;Absent from controls (or at extremely low frequency if recessive) in Genome Aggregation Database.